The following is an entry in ClinVar:

NM_001145358.2(SIN3A):c.1949A>G (p.Lys650Arg)

Gene: SIN3A (SIN3 transcription regulator family member A; minus strand). Cytogenetic location: 15q24.2.
Variant type: single nucleotide variant.
Coding change: c.1949A>G on transcript NM_001145358.2 (MANE Select); coding-DNA position 1949, A replaced by G.
Protein change: p.Lys650Arg; replaces lysine 650 with arginine.
Molecular consequence: missense variant.
Genome position (GRCh38, 1-based): chr15:75,396,402, T>C on the plus strand (A>G on the coding strand, the complement: SIN3A is on the minus strand). VCF-style: chr15-75396402-T-C. GRCh37 (hg19) VCF-style: chr15-75688743-T-C.
Other names: c.1949A>G, p.Lys650Arg (NM_001145357.2, NM_001437462.1, NM_001437463.1 and 1 more transcripts); short protein forms K650R.
Identifiers: ClinVar variation 4688552 (VCV004688552.1).

ClinVar aggregate classification (germline): Uncertain significance (1 of 4 stars; one submission).

gnomAD v4.1: 15 of 1,614,172 alleles (0.00093%); highest among the groups gnomAD compares: South Asian, 0.014%; no homozygotes.

Submission:

Women's Health and Genetics/Laboratory Corporation of America, LabCorp
Classification: Uncertain significance. Last evaluated: 2025-12-05. Review status: criteria provided, single submitter. Criteria: LabCorp Variant Classification Summary - May 2015. Collection method: clinical testing. Allele origin: germline.
Comment: Variant summary: SIN3A c.1949A>G (p.Lys650Arg) results in a conservative amino acid change in the encoded protein sequence. Algorithms developed to predict the effect of missense changes on protein structure and function are either unavailable or do not agree on the potential impact of this missense change. The variant allele was found at a frequency of 2.4e-05 in 251456 control chromosomes (gnomAD). The available data on variant occurrences in the general population are insufficient to allow any conclusion about variant significance. To our knowledge, no occurrence of c.1949A>G in individuals affected with SIN3A-related conditions and no experimental evidence demonstrating its impact on protein function have been reported. No submitters have cited clinical-significance assessments for this variant to ClinVar. Based on the evidence outlined above, the variant was classified as uncertain significance.